The following is an entry in ClinVar:

NM_001369369.1(FOXN1):c.437G>A (p.Gly146Glu)

Gene: FOXN1 (forkhead box N1; plus strand). Cytogenetic location: 17q11.2.
Variant type: single nucleotide variant.
Coding change: c.437G>A on transcript NM_001369369.1 (MANE Select); coding-DNA position 437, G replaced by A.
Protein change: p.Gly146Glu; replaces glycine 146 with glutamic acid.
Molecular consequence: missense variant.
Genome position (GRCh38, 1-based): chr17:28,524,816, G>A. VCF-style: chr17-28524816-G-A. GRCh37 (hg19) VCF-style: chr17-26851834-G-A.
Other names: c.437G>A, p.Gly146Glu (NM_003593.3); short protein forms G146E.
Identifiers: ClinVar variation 2630881 (VCV002630881.1), dbSNP rs2069728252, ClinGen allele CA398321649.

ClinVar aggregate classification (germline): Uncertain significance (1 of 4 stars; one submission).

Conditions:
FOXN1-related disorder. Also called: FOXN1-related condition.

gnomAD v4.1: 1 of 1,613,738 alleles (0.000062%); highest among the groups gnomAD compares: South Asian, 0.0011%; no homozygotes.

Submission:

PreventionGenetics, part of Exact Sciences
Classification: Uncertain significance for FOXN1-related condition. Last evaluated: 2023-09-11. Review status: criteria provided, single submitter. Criteria: ACMG Guidelines, 2015. Collection method: clinical testing. Allele origin: germline.
Comment: The FOXN1 c.437G>A variant is predicted to result in the amino acid substitution p.Gly146Glu. To our knowledge, this variant has not been reported in the literature or in a large population database, indicating this variant is rare. At this time, the clinical significance of this variant is uncertain due to the absence of conclusive functional and genetic evidence.